The following is an entry in ClinVar:

NM_000722.4(CACNA2D1):c.659-5T>C

Gene: CACNA2D1 (calcium voltage-gated channel auxiliary subunit alpha2delta 1; minus strand). Cytogenetic location: 7q21.11.
Variant type: single nucleotide variant.
Coding change: c.659-5T>C on transcript NM_000722.4 (MANE Select); 5 bases into the intron before coding-DNA position 659, T replaced by C.
Molecular consequence: intron variant.
Genome position (GRCh38, 1-based): chr7:82,066,529, A>G on the plus strand (T>C on the coding strand, the complement: CACNA2D1 is on the minus strand). VCF-style: chr7-82066529-A-G. GRCh37 (hg19) VCF-style: chr7-81695845-A-G.
Other names: c.659-5T>C (NM_001366867.1, NM_001302890.2).
Identifiers: ClinVar variation 1754383 (VCV001754383.2), dbSNP rs2486140426, ClinGen allele CA2580077397.

ClinVar aggregate classification (germline): Uncertain significance (1 of 4 stars; one submission).

Conditions:
Cardiovascular phenotype. Identifiers: MedGen CN230736.

Submission:

Ambry Genetics
Classification: Uncertain significance for Cardiovascular phenotype. Last evaluated: 2020-08-25. Review status: criteria provided, single submitter. Criteria: Ambry Variant Classification Scheme 2023. Collection method: clinical testing. Allele origin: germline.
Comment: The c.659-5T>C intronic variant results from a T to C substitution 5 nucleotides upstream from coding exon 8 in the CACNA2D1 gene. This nucleotide position is well conserved in available vertebrate species. In silico splice site analysis predicts that this alteration will not have any significant effect on splicing. Since supporting evidence is limited at this time, the clinical significance of this alteration remains unclear.